The following is an entry in ClinVar:

ClinVar aggregate classification (germline): Pathogenic/Likely pathogenic. Review status: criteria provided, multiple submitters, no conflicts (2 of 4 stars). 3 submissions from 3 submitters: Pathogenic (2); Likely pathogenic (1). Last evaluated 2025-07-30.

Conditions:
AIMP1-related disorder. Also called: AIMP1-related condition.
Leukodystrophy, hypomyelinating, 3. Identifiers: Orphanet 280270, Orphanet 280293, MedGen C1850053, MONDO:0009843, OMIM 260600.

Submissions (3):

3billion
Classification: Pathogenic for Leukodystrophy, hypomyelinating, 3. Last evaluated: 2025-07-30. Review status: criteria provided, single submitter. Criteria: ACMG Guidelines, 2015. Collection method: clinical testing. Allele origin: germline. Affected: yes.
Comment: The variant is not observed in the gnomAD v4.1.0 dataset. Predicted Consequence/Location: Frameshift: predicted to result in a loss or disruption of normal protein function through nonsense-mediated decay (NMD) or protein truncation. Multiple pathogenic variants are reported downstream of the variant. The variant has been reported to be associated with AIMP1-related disorder (ClinVar ID: VCV001365093). Therefore, this variant is classified as Pathogenic according to the recommendation of ACMG/AMP guideline.

Blueprint Genetics
Classification: Likely pathogenic for AIMP1-related disorders. Last evaluated: 2023-12-18. Review status: criteria provided, single submitter. Criteria: ACMG Guidelines, 2015. Collection method: clinical testing. Allele origin: germline. Affected: yes. Observed: 1 variant allele.

Labcorp Genetics (formerly Invitae), Labcorp
Classification: Pathogenic. Last evaluated: 2022-03-04. Review status: criteria provided, single submitter. Criteria: Invitae Variant Classification Sherloc (09022015). Collection method: clinical testing. Allele origin: germline.
Comment: This sequence change creates a premature translational stop signal (p.Pro233Phefs*6) in the AIMP1 gene. It is expected to result in an absent or disrupted protein product. Loss-of-function variants in AIMP1 are known to be pathogenic (PMID: 21092922). This variant is not present in population databases (gnomAD no frequency). This variant has not been reported in the literature in individuals affected with AIMP1-related conditions. For these reasons, this variant has been classified as Pathogenic.

Literature cited by the submitters: PubMed 21092922 (cited by Labcorp Genetics (formerly Invitae), Labcorp).

NM_001142416.2(AIMP1):c.692_695dup (p.Pro233fs)

Gene: AIMP1 (aminoacyl tRNA synthetase complex interacting multifunctional protein 1; plus strand). Cytogenetic location: 4q24.
Variant type: Duplication.
Coding change: c.692_695dup on transcript NM_001142416.2 (MANE Select); coding-DNA positions 692 to 695, 4 bases duplicated (GTTC; older notation c.692_695dupGTTC).
Protein change: p.Pro233fs; shifts the reading frame from proline 233.
Molecular consequence: frameshift variant.
Genome position (GRCh38, 1-based): chr4:106,336,957-106,336,960, GTTC duplicated. VCF-style (leftmost placement, unchanged base first): chr4-106336956-A-AGTTC. GRCh37 (hg19) VCF-style: chr4-107258113-A-AGTTC.
Other names: c.692_695dup, p.Pro233fs (NM_001142415.2, NM_004757.4); short protein forms P233fs.
Identifiers: ClinVar variation 1365093 (VCV001365093.8), dbSNP rs2125926196, ClinGen allele CA2573137934.